The following is an entry in ClinVar:

NM_018960.6(GNMT):c.257A>T (p.Asp86Val)

Genes: CNPY3-GNMT (CNPY3-GNMT readthrough; plus strand), GNMT (glycine N-methyltransferase; plus strand). Cytogenetic location: 6p21.1.
Variant type: single nucleotide variant.
Coding change: c.257A>T on transcript NM_018960.6 (MANE Select); coding-DNA position 257, A replaced by T.
Protein change: p.Asp86Val; replaces aspartic acid 86 with valine.
Molecular consequence: missense variant. On other transcripts: non-coding transcript variant (2), intron variant (2).
Genome position (GRCh38, 1-based): chr6:42,962,262, A>T. VCF-style: chr6-42962262-A-T. GRCh37 (hg19) VCF-style: chr6-42930000-A-T.
Other names: c.59A>T, p.Asp20Val (NM_001318856.2); c.257A>T, p.Asp86Val (NM_001318865.2); c.152-500A>T (NM_001318857.2, NM_001318858.2); short protein forms D20V, D86V.
Identifiers: ClinVar variation 1422908 (VCV001422908.6), dbSNP rs1015791139, ClinGen allele CA138217333.

ClinVar aggregate classification (germline): Uncertain significance (1 of 4 stars; one submission).

Submission:

Labcorp Genetics (formerly Invitae), Labcorp
Classification: Uncertain significance. Last evaluated: 2023-07-18. Review status: criteria provided, single submitter. Criteria: Invitae Variant Classification Sherloc (09022015). Collection method: clinical testing. Allele origin: germline.
Comment: ClinVar contains an entry for this variant (Variation ID: 1422908). This variant has not been reported in the literature in individuals affected with GNMT-related conditions. This variant is not present in population databases (gnomAD no frequency). This sequence change replaces aspartic acid, which is acidic and polar, with valine, which is neutral and non-polar, at codon 86 of the GNMT protein (p.Asp86Val). In summary, the available evidence is currently insufficient to determine the role of this variant in disease. Therefore, it has been classified as a Variant of Uncertain Significance. Advanced modeling of protein sequence and biophysical properties (such as structural, functional, and spatial information, amino acid conservation, physicochemical variation, residue mobility, and thermodynamic stability) performed at Invitae indicates that this missense variant is expected to disrupt GNMT protein function.